The following is an entry in ClinVar:

NM_000891.3(KCNJ2):c.346T>A (p.Ser116Thr)

Gene: KCNJ2 (potassium inwardly rectifying channel subfamily J member 2; plus strand). Cytogenetic location: 17q24.3.
Variant type: single nucleotide variant.
Coding change: c.346T>A on transcript NM_000891.3 (MANE Select); coding-DNA position 346, T replaced by A.
Protein change: p.Ser116Thr; replaces serine 116 with threonine.
Molecular consequence: missense variant.
Genome position (GRCh38, 1-based): chr17:70,175,385, T>A. VCF-style: chr17-70175385-T-A. GRCh37 (hg19) VCF-style: chr17-68171526-T-A.
Other names: short protein forms S116T.
Identifiers: ClinVar variation 4791004 (VCV004791004.1).
Genomic context (GRCh38, chr17:70,175,385, plus strand): 5'-TGGCTGTTTTTTGGCTGTGTGTTTTGGTTGATAGCTCTGCTCCATGGGGACCTGGATGCA[T>A]CCAAAGAGGGCAAAGCTTGTGTGTCCGAGGTCAACAGCTTCACGGCTGCCTTCCTCTTCT-3'
Protein context (NP_000882.1, residues 106-126): IALLHGDLDA[Ser116Thr]KEGKACVSEV

ClinVar aggregate classification (germline): Uncertain significance (1 of 4 stars; one submission).

Conditions:
Andersen Tawil syndrome (LQT7). Also called: ANDERSEN CARDIODYSRHYTHMIC PERIODIC PARALYSIS; LONG QT SYNDROME 7; PERIODIC PARALYSIS, POTASSIUM-SENSITIVE CARDIODYSRHYTHMIC TYPE; Andersen Syndrome; Potassium-sensitive periodic paralysis, ventricular ectopy, and dysmorphic features. Identifiers: Orphanet 37553, MedGen C1563715, MONDO:0008222, OMIM 170390.
Short QT syndrome type 3. Identifiers: Orphanet 51083, MedGen C1865018, MONDO:0012314, OMIM 609622.

Submission:

Labcorp Genetics (formerly Invitae), Labcorp
Classification: Uncertain significance for Short QT syndrome type 3; Andersen Tawil syndrome. Last evaluated: 2026-02-02. Review status: criteria provided, single submitter. Criteria: Invitae Variant Classification Sherloc (09022015). Collection method: clinical testing. Allele origin: germline.
Comment: This sequence change replaces serine, which is neutral and polar, with threonine, which is neutral and polar, at codon 116 of the KCNJ2 protein (p.Ser116Thr). This variant is not present in population databases (gnomAD no frequency). This variant has not been reported in the literature in individuals affected with KCNJ2-related conditions. Invitae Evidence Modeling of protein sequence and biophysical properties (such as structural, functional, and spatial information, amino acid conservation, physicochemical variation, residue mobility, and thermodynamic stability) indicates that this missense variant is not expected to disrupt KCNJ2 protein function with a negative predictive value of 95%. In summary, the available evidence is currently insufficient to determine the role of this variant in disease. Therefore, it has been classified as a Variant of Uncertain Significance.